The following is an entry in ClinVar:

NM_000179.3(MSH6):c.1238G>T (p.Trp413Leu)

Gene: MSH6 (mutS homolog 6; plus strand). Cytogenetic location: 2p16.3.
Variant type: single nucleotide variant.
Coding change: c.1238G>T on transcript NM_000179.3 (MANE Select); coding-DNA position 1238, G replaced by T.
Protein change: p.Trp413Leu; replaces tryptophan 413 with leucine.
Molecular consequence: missense variant.
Genome position (GRCh38, 1-based): chr2:47,799,221, G>T. VCF-style: chr2-47799221-G-T. GRCh37 (hg19) VCF-style: chr2-48026360-G-T.
Other names: c.848G>T, p.Trp283Leu (NM_001281492.2); c.332G>T, p.Trp111Leu (NM_001281493.2, NM_001281494.2); short protein forms W111L, W413L, W283L.
Identifiers: ClinVar variation 1476558 (VCV001476558.8), dbSNP rs786201049, ClinGen allele CA346743721.

ClinVar aggregate classification (germline): Likely pathogenic (1 of 4 stars; one submission).

Conditions:
Hereditary nonpolyposis colorectal neoplasms. Identifiers: MedGen C0009405, MeSH D003123.

Submission:

Labcorp Genetics (formerly Invitae), Labcorp
Classification: Likely pathogenic for Hereditary nonpolyposis colorectal neoplasms. Last evaluated: 2024-09-23. Review status: criteria provided, single submitter. Criteria: Invitae Variant Classification Sherloc (09022015). Collection method: clinical testing. Allele origin: germline.
Comment: This sequence change replaces tryptophan, which is neutral and slightly polar, with leucine, which is neutral and non-polar, at codon 413 of the MSH6 protein (p.Trp413Leu). This variant is not present in population databases (gnomAD no frequency). This variant has not been reported in the literature in individuals affected with MSH6-related conditions. ClinVar contains an entry for this variant (Variation ID: 1476558). Invitae Evidence Modeling of protein sequence and biophysical properties (such as structural, functional, and spatial information, amino acid conservation, physicochemical variation, residue mobility, and thermodynamic stability) indicates that this missense variant is expected to disrupt MSH6 protein function with a positive predictive value of 95%. This variant disrupts the p.Trp413 amino acid residue in MSH6. Other variant(s) that disrupt this residue have been observed in individuals with MSH6-related conditions (external communication, internal data), which suggests that this may be a clinically significant amino acid residue. In summary, the currently available evidence indicates that the variant is pathogenic, but additional data are needed to prove that conclusively. Therefore, this variant has been classified as Likely Pathogenic.